The following is an entry in ClinVar:

NM_174936.4(PCSK9):c.945C>T (p.Ala315=)

Gene: PCSK9 (proprotein convertase subtilisin/kexin type 9; plus strand). Cytogenetic location: 1p32.3.
Variant type: single nucleotide variant.
Coding change: c.945C>T on transcript NM_174936.4 (MANE Select); coding-DNA position 945, C replaced by T.
Protein change: p.Ala315=; no amino-acid change (alanine 315 retained).
Molecular consequence: synonymous variant. On other transcripts: non-coding transcript variant (8).
Genome position (GRCh38, 1-based): chr1:55,056,138, C>T. VCF-style: chr1-55056138-C-T. GRCh37 (hg19) VCF-style: chr1-55521811-C-T.
Other names: c.753C>T, p.Ala251= (NM_001407245.1); c.570C>T, p.Ala190= (NM_001407246.1); c.945C>T, p.Ala315= (NM_001407247.1, NM_001407241.1, NM_001407244.1); c.1068C>T, p.Ala356= (NM_001407240.1); c.948C>T, p.Ala316= (NM_001407242.1); c.888C>T, p.Ala296= (NM_001407243.1).
Identifiers: ClinVar variation 921594 (VCV000921594.6), dbSNP rs1378856006, ClinGen allele CA417959948.

ClinVar aggregate classification (germline): Likely benign. Review status: criteria provided, multiple submitters, no conflicts (2 of 4 stars). 3 submissions from 3 submitters: Likely benign (3). Last evaluated 2023-12-18.

Conditions:
Cardiovascular phenotype. Identifiers: MedGen CN230736.
Familial hypercholesterolemia. Also called: Familial hypercholesterolemias; Familial hypercholesterolaemia. Identifiers: MedGen C0020445, MONDO:0005439.
Hypercholesterolemia, autosomal dominant, 3 (FHCL3). Also called: Familial hypercholesterolemia 3; Familial Hypercholesterolemia, Autosomal Dominant, 3; PCSK9-Related Familial Hypercholesterolemia, Autosomal Dominant. Identifiers: MedGen C1863551, MONDO:0011369, OMIM 603776.

Allele frequency attached by ClinVar (database versions not stated): gnomAD exomes 0.00001; gnomAD 0.00005 and 0.00006; TOPMed 0.00008.
gnomAD v4.1: 11 of 1,555,336 alleles (0.00071%); highest among the groups gnomAD compares: Middle Eastern, 0.018%; no homozygotes.

Submissions (3):

All of Us Research Program, National Institutes of Health
Classification: Likely benign for Hypercholesterolemia, autosomal dominant, 3. Last evaluated: 2023-12-18. Review status: criteria provided, single submitter. Criteria: ACMG Guidelines, 2015. Collection method: clinical testing. Allele origin: germline. Inheritance: Autosomal dominant inheritance. Observed: 1 variant allele, 1 heterozygote.
Comment: This study involves interpretation of variants in research participants for the purpose of population health screening. Participant phenotype was not available at the time of variant classification. Additional details can be found in publication PMID: 35346344, PMCID: PMC8962531

Ambry Genetics
Classification: Likely benign for Cardiovascular phenotype. Last evaluated: 2023-07-15. Review status: criteria provided, single submitter. Criteria: Ambry Variant Classification Scheme 2023. Collection method: clinical testing. Allele origin: germline.

Color Diagnostics, LLC DBA Color Health
Classification: Likely benign for Familial hypercholesterolemia. Last evaluated: 2019-05-03. Review status: criteria provided, single submitter. Criteria: ACMG Guidelines, 2015. Collection method: clinical testing. Allele origin: germline.